The following is an entry in ClinVar:

NM_001283009.2(RTEL1):c.2240A>G (p.Gln747Arg)

Genes: RTEL1 (regulator of telomere elongation helicase 1; plus strand), RTEL1-TNFRSF6B (RTEL1-TNFRSF6B readthrough (NMD candidate); plus strand). Cytogenetic location: 20q13.33.
Variant type: single nucleotide variant.
Coding change: c.2240A>G on transcript NM_001283009.2 (MANE Select); coding-DNA position 2240, A replaced by G.
Protein change: p.Gln747Arg; replaces glutamine 747 with arginine.
Molecular consequence: missense variant. On other transcripts: non-coding transcript variant (1).
Genome position (GRCh38, 1-based): chr20:63,690,185, A>G. VCF-style: chr20-63690185-A-G. GRCh37 (hg19) VCF-style: chr20-62321538-A-G.
Other names: c.2240A>G, p.Gln747Arg (NM_016434.4); c.2312A>G, p.Gln771Arg (NM_032957.5); c.1571A>G, p.Gln524Arg (NM_001283010.1); short protein forms Q524R, Q771R, Q747R.
Identifiers: ClinVar variation 4629575 (VCV004629575.1).

ClinVar aggregate classification (germline): Uncertain significance (1 of 4 stars; one submission).

Conditions:
Inborn genetic diseases. Identifiers: MedGen C0950123, MeSH D030342.

gnomAD v4.1: 2 of 1,612,378 alleles (0.00012%); highest among the groups gnomAD compares: Middle Eastern, 0.016%; no homozygotes.

Submission:

Ambry Genetics
Classification: Uncertain significance for Inborn genetic diseases. Last evaluated: 2025-10-27. Review status: criteria provided, single submitter. Criteria: Ambry Variant Classification Scheme 2023. Collection method: clinical testing. Allele origin: germline.
Comment: The p.Q747R variant (also known as c.2240A>G), located in coding exon 24 of the RTEL1 gene, results from an A to G substitution at nucleotide position 2240. The glutamine at codon 747 is replaced by arginine, an amino acid with highly similar properties. This amino acid position is conserved. In addition, this alteration is predicted to be tolerated by in silico analysis. Based on the available evidence, the clinical significance of this variant remains unclear.